The following is an entry in ClinVar:

ClinVar aggregate classification (germline): Uncertain significance (1 of 4 stars; one submission).

Conditions:
Hereditary cancer-predisposing syndrome. Also called: Neoplastic Syndromes, Hereditary; Tumor predisposition; Hereditary Cancer Syndrome; Hereditary neoplastic syndrome. Identifiers: Orphanet 140162, MedGen C0027672, MeSH D009386, MONDO:0015356.

Submission:

Ambry Genetics
Classification: Uncertain significance for Hereditary cancer-predisposing syndrome. Last evaluated: 2025-11-19. Review status: criteria provided, single submitter. Criteria: Ambry Variant Classification Scheme 2023. Collection method: clinical testing. Allele origin: germline.
Comment: The p.R33H variant (also known as c.98G>A), located in coding exon 1 of the MSH6 gene, results from a G to A substitution at nucleotide position 98. The arginine at codon 33 is replaced by histidine, an amino acid with highly similar properties. This amino acid position is conserved. In addition, this alteration is predicted to be tolerated by in silico analysis. Based on the available evidence, the clinical significance of this variant remains unclear.

NM_000179.3(MSH6):c.98G>A (p.Arg33His)

Gene: MSH6 (mutS homolog 6; plus strand). Cytogenetic location: 2p16.3.
Variant type: single nucleotide variant.
Coding change: c.98G>A on transcript NM_000179.3 (MANE Select); coding-DNA position 98, G replaced by A.
Protein change: p.Arg33His; replaces arginine 33 with histidine.
Molecular consequence: missense variant. On other transcripts: 5 prime UTR variant (7), non-coding transcript variant (5), intron variant (5).
Genome position (GRCh38, 1-based): chr2:47,783,331, G>A. VCF-style: chr2-47783331-G-A. GRCh37 (hg19) VCF-style: chr2-48010470-G-A.
Other names: c.98G>A, p.Arg33His (NM_001281492.2, NM_001406795.1, NM_001406796.1 and 9 more transcripts); c.-639G>A (NM_001281493.2, NM_001406811.1); c.-231G>A (NM_001406799.1); c.43G>A, p.Val15Met (NM_001406804.1); c.-831G>A (NM_001406807.1); c.-486G>A (NM_001406812.1); c.-897G>A (NM_001406814.1); c.-442G>A (NM_001406816.1); and 3 more; short protein forms V15M, R33H.
Identifiers: ClinVar variation 4655440 (VCV004655440.1).
Genomic context (GRCh38, chr2:47,783,331, plus strand): 5'-AGTCTCCGGCGCTGAGTGATGCCAACAAGGCCTCGGCCAGGGCCTCACGCGAAGGCGGCC[G>A]TGCCGCCGCTGCCCCCGGGGCCTCTCCTTCCCCAGGCGGGGATGCGGCCTGGAGCGAGGC-3'
Protein context (NP_000170.1, residues 23-43): ASARASREGG[Arg33His]AAAAPGASPS